The following is an entry in ClinVar:

NM_002230.4(JUP):c.1377G>T (p.Leu459=)

Gene: JUP (junction plakoglobin; minus strand). Cytogenetic location: 17q21.2.
Variant type: single nucleotide variant.
Coding change: c.1377G>T on transcript NM_002230.4 (MANE Select); coding-DNA position 1377, G replaced by T.
Protein change: p.Leu459=; no amino-acid change (leucine 459 retained).
Molecular consequence: synonymous variant.
Genome position (GRCh38, 1-based): chr17:41,763,103, C>A on the plus strand (G>T on the coding strand, the complement: JUP is on the minus strand). VCF-style: chr17-41763103-C-A. GRCh37 (hg19) VCF-style: chr17-39919355-C-A.
Other names: p.L459L:CTG>CTT; p.Leu459=; c.1377G>T (NM_002230.3); c.1377G>T, p.Leu459= (NM_001352773.2, NM_001352774.2, NM_001352775.2 and 3 more transcripts).
Identifiers: ClinVar variation 45834 (VCV000045834.33), dbSNP rs147370522, ClinGen allele CA137134.
Genomic context (GRCh38, chr17:41,763,103, plus strand): 5'-GTTGAGACGCACAGAGTTCTGGGCCATCTCGGCCTCAGGGTGGCGGCTAGTGAGGTGGCG[C>A]AGAGCGCAGACGGCAGGCTCCGTGATGTCGTCCTTGTCACCAGCACGCAGGATGGCATGG-3'
Protein context (NP_002221.1, residues 449-469): DDITEPAVCA[Leu459=]RHLTSRHPEA

ClinVar aggregate classification (germline): Conflicting classifications of pathogenicity. Review status: criteria provided, conflicting classifications (1 of 4 stars). 15 submissions from 14 submitters: Uncertain significance (2); Benign (5); Likely benign (5). 3 of the submissions do not count toward it. Last evaluated 2026-01-31.

Conditions:
Cardiovascular phenotype. Identifiers: MedGen CN230736.
Naxos disease (NXD). Also called: KERATOSIS PALMOPLANTARIS WITH ARRHYTHMOGENIC CARDIOMYOPATHY; MAL DE NAXOS; PALMOPLANTAR KERATODERMA WITH ARRHYTHMOGENIC RIGHT VENTRICULAR CARDIOMYOPATHY AND WOOLLY HAIR; WOOLLY HAIR, PALMOPLANTAR KERATODERMA, AND CARDIAC ABNORMALITIES; CARDIOMYOPATHY, ARRHYTHMOGENIC RIGHT VENTRICULAR, WITH SKIN, HAIR, AND NAIL ABNORMALITIES. Identifiers: Orphanet 34217, MedGen C1832600, MONDO:0011017, OMIM 601214.
Arrhythmogenic right ventricular dysplasia 12. Also called: ARRHYTHMOGENIC RIGHT VENTRICULAR DYSPLASIA, FAMILIAL, 12. Identifiers: MedGen C1969081, MONDO:0012684, OMIM 611528.
Cardiomyopathy (CMYO). Also called: Cardiomyopathies. Identifiers: Orphanet 167848, MedGen C0878544, MONDO:0004994, HP:0001638. Inheritance: Various modes of inheritance.

Allele frequency attached by ClinVar (database versions not stated): gnomAD exomes 0.00014; ExAC 0.00017; gnomAD 0.00018 and 0.00019; TOPMed 0.00021; ESP Exome Variant Server 0.00023; 1000 Genomes Project 30x 0.00031; 1000 Genomes Project 0.00040.
gnomAD v4.1: 123 of 1,614,208 alleles (0.0076%); highest among the groups gnomAD compares: East Asian, 0.11%; no homozygotes.

Submissions (15):

Labcorp Genetics (formerly Invitae), Labcorp
Classification: Benign for Arrhythmogenic right ventricular dysplasia 12; Naxos disease. Last evaluated: 2026-01-31. Review status: criteria provided, single submitter. Criteria: Invitae Variant Classification Sherloc (09022015). Collection method: clinical testing. Allele origin: germline.

Mayo Clinic Laboratories, Mayo Clinic
Classification: Likely benign. Last evaluated: 2025-06-21. Review status: criteria provided, single submitter. Criteria: ACMG Guidelines, 2015. Collection method: clinical testing. Allele origin: germline. Observed: 2 variant alleles.

Molecular Diagnostic Laboratory for Inherited Cardiovascular Disease, Montreal Heart Institute
Classification: Benign. Last evaluated: 2025-04-09. Review status: criteria provided, single submitter. Criteria: ACMG Guidelines, 2015. Collection method: clinical testing. Allele origin: germline. Affected: no.

Blueprint Genetics
Classification: Likely benign. Last evaluated: 2024-11-01. Review status: criteria provided, single submitter. Criteria: ACMG Guidelines, 2015. Collection method: clinical testing. Allele origin: germline.

ARUP Laboratories, Molecular Genetics and Genomics, ARUP Laboratories
Classification: Likely benign. Last evaluated: 2023-09-13. Review status: criteria provided, single submitter. Criteria: ARUP Molecular Germline Variant Investigation Process 2024. Collection method: clinical testing. Allele origin: germline.

CHEO Genetics Diagnostic Laboratory, Children's Hospital of Eastern Ontario
Classification: Benign for Cardiomyopathy. Last evaluated: 2020-09-08. Review status: criteria provided, single submitter. Criteria: ACMG Guidelines, 2015. Collection method: clinical testing. Allele origin: germline. Study: Canadian Open Genetics Repository.

Illumina Laboratory Services, Illumina
Classification: Uncertain significance for Arrhythmogenic right ventricular dysplasia 12. Last evaluated: 2018-01-13. Review status: criteria provided, single submitter. Criteria: ICSL Variant Classification Criteria 13 December 2019. Collection method: clinical testing. Allele origin: germline.

Illumina Laboratory Services, Illumina
Classification: Uncertain significance for Naxos disease. Last evaluated: 2018-01-13. Review status: criteria provided, single submitter. Criteria: ICSL Variant Classification Criteria 13 December 2019. Collection method: clinical testing. Allele origin: germline.

Women's Health and Genetics/Laboratory Corporation of America, LabCorp
Classification: Benign. Last evaluated: 2016-11-28. Review status: criteria provided, single submitter. Criteria: LabCorp Variant Classification Summary - May 2015. Collection method: clinical testing. Allele origin: germline.
Comment: Variant summary: The JUP c.1377G>T (p.Leu459Leu) variant involves the alteration of a non-conserved nucleotide, resulting in a synonymous change. One in silico tool predicts a damaging outcome for this variant. 5/5 splice prediction tools predict no significant impact on normal splicing. ESE finder predicts that this variant may affect ESE sites. However, these predictions have yet to be confirmed by functional studies. This variant was found in 21/121316 control chromosomes at a frequency of 0.0001731, which is approximately 17 times the estimated maximal expected allele frequency of a pathogenic JUP variant (0.00001), suggesting this variant is likely a benign polymorphism. In addition, multiple clinical diagnostic laboratories/reputable databases classified this variant as benign/likely benign. The variant of interest has not, to our knowledge, been reported in affected individuals via publications nor evaluated for functional impact by in vivo/vitro studies. Taken together, this variant is classified as benign.

Ambry Genetics
Classification: Likely benign for Cardiovascular phenotype. Last evaluated: 2016-05-23. Review status: criteria provided, single submitter. Criteria: Ambry Variant Classification Scheme 2023. Collection method: clinical testing. Allele origin: germline.

GeneDx
Classification: Benign. Last evaluated: 2014-03-12. Review status: criteria provided, single submitter. Criteria: GeneDx Variant Classification (06012015). Collection method: clinical testing. Allele origin: germline. Affected: yes.
Comment: This variant is considered likely benign or benign based on one or more of the following criteria: it is a conservative change, it occurs at a poorly conserved position in the protein, it is predicted to be benign by multiple in silico algorithms, and/or has population frequency not consistent with disease.

Laboratory for Molecular Medicine, Mass General Brigham Personalized Medicine
Classification: Likely benign. Last evaluated: 2012-03-19. Review status: criteria provided, single submitter. Criteria: LMM Criteria. Collection method: clinical testing. Allele origin: germline. Observed: 3 variant alleles.
Comment: Leu459Leu in exon 08 of JUP: This variant is not expected to have clinical signi ficance because it does not alter an amino acid residue and is not located withi n the splice consensus sequence. It has been identified in 0.1% (2/3738) of Afri can American chromosomes from a broad population by the NHLBI Exome Sequencing P roject (dbSNP rs147370522). Leu459Leu in exon 08 of JUP (rs147370522; allele frequency = 0.1%, 2/3738) **

Clinical Genetics, Academic Medical Center
Classification: Benign. Review status: no assertion criteria provided. Collection method: clinical testing. Allele origin: germline. Affected: yes. Study: VKGL Data-share Consensus. Not counted in ClinVar's aggregate classification.

Diagnostic Laboratory, Department of Genetics, University Medical Center Groningen
Classification: Likely benign. Review status: no assertion criteria provided. Collection method: clinical testing. Allele origin: germline. Affected: yes. Study: VKGL Data-share Consensus. Not counted in ClinVar's aggregate classification.

Genome Diagnostics Laboratory, University Medical Center Utrecht
Classification: Benign. Review status: no assertion criteria provided. Collection method: clinical testing. Allele origin: germline. Affected: yes. Study: VKGL Data-share Consensus. Not counted in ClinVar's aggregate classification.